The following is an entry in ClinVar:

ClinVar aggregate classification (germline): Uncertain significance (1 of 4 stars; one submission).

gnomAD v4.1: 2 of 1,614,056 alleles (0.00012%); highest among the groups gnomAD compares: African/African-American, 0.0027%; no homozygotes.

Submission:

Ambry Genetics
Classification: Uncertain significance. Last evaluated: 2024-11-24. Review status: criteria provided, single submitter. Criteria: Ambry Variant Classification Scheme 2023. Collection method: clinical testing. Allele origin: germline.
Comment: The p.G1399R variant (also known as c.4195G>A), located in coding exon 14 of the CDK12 gene, results from a G to A substitution at nucleotide position 4195. The glycine at codon 1399 is replaced by arginine, an amino acid with dissimilar properties. This amino acid position is conserved. In addition, this alteration is predicted to be deleterious by in silico analysis. Based on the available evidence, the clinical significance of this variant remains unclear.

NM_016507.4(CDK12):c.4195G>A (p.Gly1399Arg)

Gene: CDK12 (cyclin dependent kinase 12; plus strand). Cytogenetic location: 17q12.
Variant type: single nucleotide variant.
Coding change: c.4195G>A on transcript NM_016507.4 (MANE Select); coding-DNA position 4195, G replaced by A.
Protein change: p.Gly1399Arg; replaces glycine 1399 with arginine.
Molecular consequence: missense variant.
Genome position (GRCh38, 1-based): chr17:39,531,038, G>A. VCF-style: chr17-39531038-G-A. GRCh37 (hg19) VCF-style: chr17-37687291-G-A.
Other names: c.4168G>A, p.Gly1390Arg (NM_015083.4); short protein forms G1399R, G1390R.
Identifiers: ClinVar variation 3489267 (VCV003489267.1).
Genomic context (GRCh38, chr17:39,531,038, plus strand): 5'-TCTCTGAGCCACCTTGGGGAGTCCAGCAGTTACCAGGGCACAGGGTCAGTGCAGTTTCCA[G>A]GGGACCAGGACCTCCGTTTTGCCAGGGTCCCCTTAGCGTTACACCCGGTGGTCGGGCAAC-3'
Protein context (NP_057591.2, residues 1389-1409): YQGTGSVQFP[Gly1399Arg]DQDLRFARVP